The following is an entry in ClinVar:

ClinVar aggregate classification (germline): Uncertain significance (1 of 4 stars; one submission).

Submission:

GeneDx
Classification: Uncertain significance. Last evaluated: 2019-11-19. Review status: criteria provided, single submitter. Criteria: GeneDx Variant Classification Process June 2021. Collection method: clinical testing. Allele origin: germline. Affected: yes.
Comment: Not observed in large population cohorts (Lek et al., 2016); In silico analysis, which includes protein predictors and evolutionary conservation, supports that this variant does not alter protein structure/function; Has not been previously published as pathogenic or benign to our knowledge

NM_001123385.2(BCOR):c.2738C>A (p.Thr913Asn)

Gene: BCOR (BCL6 corepressor; minus strand). Cytogenetic location: Xp11.4.
Variant type: single nucleotide variant.
Coding change: c.2738C>A on transcript NM_001123385.2 (MANE Select); coding-DNA position 2738, C replaced by A.
Protein change: p.Thr913Asn; replaces threonine 913 with asparagine.
Molecular consequence: missense variant.
Genome position (GRCh38, 1-based): chrX:40,072,608, G>T on the plus strand (C>A on the coding strand, the complement: BCOR is on the minus strand). VCF-style: chrX-40072608-G-T. GRCh37 (hg19) VCF-style: chrX-39931861-G-T.
Other names: c.2738C>A, p.Thr913Asn (NM_001123383.2, NM_001123384.2, NM_017745.6); short protein forms T913N.
Identifiers: ClinVar variation 1310073 (VCV001310073.2), dbSNP rs2147203630, ClinGen allele CA412741957.
Genomic context (GRCh38, chrX:40,072,608, plus strand): 5'-ACACTTGGTGGGGCACTGCCCACACAAAATGGTTTGGGATCCTCTTGGGTTTTACCAAAA[G>T]TTACAGCAGGGCCATCGCTCCCCAGAGGTGGCTCCAGGAATGGAGTCGAGACTGGCAACC-3'
Protein context (NP_001116857.1, residues 903-923): PPLGSDGPAV[Thr913Asn]FGKTQEDPKP